The following is an entry in ClinVar:

NM_004304.5(ALK):c.3213G>A (p.Met1071Ile)

Gene: ALK (ALK receptor tyrosine kinase; minus strand). Cytogenetic location: 2p23.2.
Variant type: single nucleotide variant.
Coding change: c.3213G>A on transcript NM_004304.5 (MANE Select); coding-DNA position 3213, G replaced by A.
Protein change: p.Met1071Ile; replaces methionine 1071 with isoleucine.
Molecular consequence: missense variant.
Genome position (GRCh38, 1-based): chr2:29,223,488, C>T on the plus strand (G>A on the coding strand, the complement: ALK is on the minus strand). VCF-style: chr2-29223488-C-T. GRCh37 (hg19) VCF-style: chr2-29446354-C-T.
Other names: c.9G>A, p.Met3Ile (NM_001353765.2); c.3213G>A (NM_004304.4); short protein forms M1071I, M3I.
Identifiers: ClinVar variation 1371117 (VCV001371117.9), dbSNP rs1241116907, ClinGen allele CA346465540.
Genomic context (GRCh38, chr2:29,223,488, plus strand): 5'-GTCGGTCATGATGGTCGAGGTGCGGAGCTTGCTCAGCTTGTACTCAGGGCTCTGCAGCTC[C>T]ATCTGCATGGCTTGCAGCTCCTGGTGCTTCCGGCGGTACACTGCAGGTGGGTGGTCAGCT-3'
Protein context (NP_004295.2, residues 1061-1081): RKHQELQAMQ[Met1071Ile]ELQSPEYKLS

ClinVar aggregate classification (germline): Uncertain significance. Review status: criteria provided, multiple submitters, no conflicts (2 of 4 stars). 2 submissions from 2 submitters: Uncertain significance (2). Last evaluated 2025-03-05.

Conditions:
Neuroblastoma, susceptibility to, 3. Also called: ALK-Related Neuroblastic Tumor Susceptibility. Identifiers: Orphanet 635, MedGen C2751681, MONDO:0013083, OMIM 613014.
Hereditary cancer-predisposing syndrome. Also called: Hereditary neoplastic syndrome; Hereditary Cancer Syndrome; Neoplastic Syndromes, Hereditary; Tumor predisposition. Identifiers: Orphanet 140162, MedGen C0027672, MeSH D009386, MONDO:0015356.

Allele frequency attached by ClinVar (database versions not stated): gnomAD exomes below 0.00001.

Submissions (2):

Ambry Genetics
Classification: Uncertain significance for Hereditary cancer-predisposing syndrome. Last evaluated: 2025-03-05. Review status: criteria provided, single submitter. Criteria: Ambry Variant Classification Scheme 2023. Collection method: clinical testing. Allele origin: germline.
Comment: The p.M1071I variant (also known as c.3213G>A), located in coding exon 20 of the ALK gene, results from a G to A substitution at nucleotide position 3213. The methionine at codon 1071 is replaced by isoleucine, an amino acid with highly similar properties. This amino acid position is conserved. In addition, this alteration is predicted to be tolerated by in silico analysis. Based on the available evidence, the clinical significance of this variant remains unclear.

Labcorp Genetics (formerly Invitae), Labcorp
Classification: Uncertain significance for Neuroblastoma, susceptibility to, 3. Last evaluated: 2024-03-16. Review status: criteria provided, single submitter. Criteria: Invitae Variant Classification Sherloc (09022015). Collection method: clinical testing. Allele origin: germline.
Comment: This sequence change replaces methionine, which is neutral and non-polar, with isoleucine, which is neutral and non-polar, at codon 1071 of the ALK protein (p.Met1071Ile). This variant is present in population databases (no rsID available, gnomAD 0.003%). This variant has not been reported in the literature in individuals affected with ALK-related conditions. ClinVar contains an entry for this variant (Variation ID: 1371117). An algorithm developed to predict the effect of missense changes on protein structure and function (PolyPhen-2) suggests that this variant is likely to be tolerated. In summary, the available evidence is currently insufficient to determine the role of this variant in disease. Therefore, it has been classified as a Variant of Uncertain Significance.